The following is an entry in ClinVar:

NM_003937.3(KYNU):c.489del (p.Ala164fs)

Gene: KYNU (kynureninase; plus strand). Cytogenetic location: 2q22.2.
Variant type: Deletion.
Coding change: c.489del on transcript NM_003937.3 (MANE Select); coding-DNA position 489, one base deleted (A; older notation c.489delA).
Protein change: p.Ala164fs; shifts the reading frame from alanine 164.
Molecular consequence: frameshift variant.
Genome position (GRCh38, 1-based): chr2:142,956,256, A deleted; the last of 3 consecutive A bases (chr2:142,956,254-142,956,256); deleting any one gives the same sequence. VCF-style (leftmost placement, unchanged base first): chr2-142956253-CA-C. GRCh37 (hg19) VCF-style: chr2-143713822-CA-C.
Other names: c.489del, p.Ala164fs (NM_001032998.2, NM_001199241.2); c.489del (NM_003937.2); short protein forms A164fs.
Identifiers: ClinVar variation 988093 (VCV000988093.5), dbSNP rs752269711, ClinGen allele CA1896714.

ClinVar aggregate classification (germline): Pathogenic/Likely pathogenic. Review status: criteria provided, multiple submitters, no conflicts (2 of 4 stars). 3 submissions from 3 submitters: Pathogenic (1); Likely pathogenic (1). 1 of the submissions does not count toward it. Last evaluated 2025-04-12.

Conditions:
KYNU-related disorder. Also called: KYNU-related condition; KYNU-related disorders.
Congenital NAD deficiency disorder. Identifiers: MedGen CN241975.

Submissions (3):

GeneDx
Classification: Pathogenic. Last evaluated: 2025-04-12. Review status: criteria provided, single submitter. Criteria: GeneDx Variant Classification Process June 2021. Collection method: clinical testing. Allele origin: germline.
Comment: Frameshift variant predicted to result in protein truncation or nonsense mediated decay in a gene for which loss of function is a known mechanism of disease; This variant is associated with the following publications: (PMID: 33942433)

Blueprint Genetics
Classification: Likely pathogenic for KYNU-related disorders. Last evaluated: 2024-11-25. Review status: criteria provided, single submitter. Criteria: ACMG Guidelines, 2015. Collection method: clinical testing. Allele origin: germline. Affected: yes. Observed: 5 variant alleles.

Embryology Laboratory, Victor Chang Cardiac Research Institute
Classification: Pathogenic for Congenital NAD Deficiency Disorder. Last evaluated: 2020-11-11. Review status: no assertion criteria provided. Collection method: research. Allele origin: inherited. Inheritance: Autosomal recessive inheritance. Affected: yes. Observed: 1 variant allele, 1 compound heterozygote. Not counted in ClinVar's aggregate classification.
Comment: This variant, c.489del, was found in compound heterozygosity with the pathogenic variant c.1282C>T

Literature cited by the submitters: PubMed 33942433 (cited by Embryology Laboratory, Victor Chang Cardiac Research Institute).